The following is an entry in ClinVar:

ClinVar aggregate classification (germline): Uncertain significance (1 of 4 stars; one submission).

Conditions:
Retinitis pigmentosa 73 (RP73). Identifiers: Orphanet 791, MedGen C4225287, MONDO:0014687, OMIM 616544.
Mucopolysaccharidosis, MPS-III-C (MPS3C). Also called: MPS IIIC (Sanfilippo Syndrome Type C); MUCOPOLYSACCHARIDOSIS, TYPE IIIC; Mucopolysaccharidosis type IIIC (Sanfilippo C); SANFILIPPO SYNDROME C; MPS III C; mucopolysaccharidosis type 3C. Identifiers: Orphanet 581, Orphanet 79271, MedGen C0086649, MONDO:0009657, OMIM 252930.

Submission:

Labcorp Genetics (formerly Invitae), Labcorp
Classification: Uncertain significance for Retinitis pigmentosa 73; Mucopolysaccharidosis, MPS-III-C. Last evaluated: 2022-06-20. Review status: criteria provided, single submitter. Criteria: Invitae Variant Classification Sherloc (09022015). Collection method: clinical testing. Allele origin: germline.
Comment: In summary, the available evidence is currently insufficient to determine the role of this variant in disease. Therefore, it has been classified as a Variant of Uncertain Significance. Algorithms developed to predict the effect of sequence changes on RNA splicing suggest that this variant may disrupt the consensus splice site. Advanced modeling of protein sequence and biophysical properties (such as structural, functional, and spatial information, amino acid conservation, physicochemical variation, residue mobility, and thermodynamic stability) performed at Invitae indicates that this missense variant is expected to disrupt HGSNAT protein function. This missense change has been observed in individual(s) with clinical features of retinitis pigmentosa (Invitae). This variant is not present in population databases (gnomAD no frequency). This sequence change replaces glycine, which is neutral and non-polar, with arginine, which is basic and polar, at codon 260 of the HGSNAT protein (p.Gly260Arg).

NM_152419.3(HGSNAT):c.778G>A (p.Gly260Arg)

Gene: HGSNAT (heparan-alpha-glucosaminide N-acetyltransferase; plus strand). Cytogenetic location: 8p11.21.
Variant type: single nucleotide variant.
Coding change: c.778G>A on transcript NM_152419.3 (MANE Select); coding-DNA position 778, G replaced by A.
Protein change: p.Gly260Arg; replaces glycine 260 with arginine.
Molecular consequence: missense variant. On other transcripts: 5 prime UTR variant (1).
Genome position (GRCh38, 1-based): chr8:43,172,344, G>A. VCF-style: chr8-43172344-G-A. GRCh37 (hg19) VCF-style: chr8-43027487-G-A.
Other names: c.778G>A, p.Gly260Arg (NM_001363227.2, NM_001363228.2); c.-56G>A (NM_001363229.2); short protein forms G260R.
Identifiers: ClinVar variation 1376827 (VCV001376827.6), dbSNP rs2130750679, ClinGen allele CA371116360.